The following is an entry in ClinVar:

NM_015895.5(GMNN):c.398G>A (p.Arg133His)

Gene: GMNN (geminin DNA replication inhibitor; plus strand). Cytogenetic location: 6p22.3.
Variant type: single nucleotide variant.
Coding change: c.398G>A on transcript NM_015895.5 (MANE Select); coding-DNA position 398, G replaced by A.
Protein change: p.Arg133His; replaces arginine 133 with histidine.
Molecular consequence: missense variant.
Genome position (GRCh38, 1-based): chr6:24,784,484, G>A. VCF-style: chr6-24784484-G-A. GRCh37 (hg19) VCF-style: chr6-24784712-G-A.
Other names: c.398G>A, p.Arg133His (NM_001251989.2, NM_001251990.2, NM_001251991.1); short protein forms R133H.
Identifiers: ClinVar variation 2159969 (VCV002159969.3), dbSNP rs201577150, ClinGen allele CA3658912.

ClinVar aggregate classification (germline): Uncertain significance (1 of 4 stars; one submission).

Allele frequency attached by ClinVar (database versions not stated): ExAC 0.00005; 1000 Genomes Project 30x 0.00016; 1000 Genomes Project 0.00020.

Submission:

Labcorp Genetics (formerly Invitae), Labcorp
Classification: Uncertain significance. Last evaluated: 2024-11-28. Review status: criteria provided, single submitter. Criteria: Invitae Variant Classification Sherloc (09022015). Collection method: clinical testing. Allele origin: germline.
Comment: This sequence change replaces arginine, which is basic and polar, with histidine, which is basic and polar, at codon 133 of the GMNN protein (p.Arg133His). This variant is present in population databases (rs201577150, gnomAD 0.02%). This variant has not been reported in the literature in individuals affected with GMNN-related conditions. ClinVar contains an entry for this variant (Variation ID: 2159969). An algorithm developed to predict the effect of missense changes on protein structure and function outputs the following: PolyPhen-2: "Benign". The histidine amino acid residue is found in multiple mammalian species, which suggests that this missense change does not adversely affect protein function. In summary, the available evidence is currently insufficient to determine the role of this variant in disease. Therefore, it has been classified as a Variant of Uncertain Significance.